The following is an entry in ClinVar:

ClinVar aggregate classification (germline): Conflicting classifications of pathogenicity. Review status: criteria provided, conflicting classifications (1 of 4 stars). 2 submissions from 2 submitters: Uncertain significance (1); Likely benign (1). Last evaluated 2025-08-01.

Conditions:
RFX3-related disorder. Also called: RFX3-related condition.

Allele frequency attached by ClinVar (database versions not stated): gnomAD exomes 0.00001; TOPMed 0.00001; ESP Exome Variant Server 0.00008.
gnomAD v4.1: 20 of 1,614,050 alleles (0.0012%); highest among the groups gnomAD compares: Non-Finnish European, 0.0016%; no homozygotes.

Submissions (2):

CeGaT Center for Human Genetics Tuebingen
Classification: Likely benign. Last evaluated: 2025-08-01. Review status: criteria provided, single submitter. Criteria: CeGaT Center For Human Genetics Tuebingen Variant Classification Criteria Version 2. Collection method: clinical testing. Allele origin: germline. Affected: yes. Observed: 1 variant allele.
Comment: RFX3: BS2

PreventionGenetics, part of Exact Sciences
Classification: Uncertain significance for RFX3-related condition. Last evaluated: 2023-04-25. Review status: criteria provided, single submitter. Criteria: ACMG Guidelines, 2015. Collection method: clinical testing. Allele origin: germline.
Comment: The RFX3 c.1772C>G variant is predicted to result in the amino acid substitution p.Pro591Arg. To our knowledge, this variant has not been reported in the literature. This variant is reported in 0.00088% of alleles in individuals of European (Non-Finnish) descent in gnomAD. At this time, the clinical significance of this variant is uncertain due to the absence of conclusive functional and genetic evidence.

NM_001282116.2(RFX3):c.1772C>G (p.Pro591Arg)

Gene: RFX3 (regulatory factor X3; minus strand). Cytogenetic location: 9p24.2.
Variant type: single nucleotide variant.
Coding change: c.1772C>G on transcript NM_001282116.2 (MANE Select); coding-DNA position 1772, C replaced by G.
Protein change: p.Pro591Arg; replaces proline 591 with arginine.
Molecular consequence: missense variant.
Genome position (GRCh38, 1-based): chr9:3,257,033, G>C on the plus strand (C>G on the coding strand, the complement: RFX3 is on the minus strand). VCF-style: chr9-3257033-G-C. GRCh37 (hg19) VCF-style: chr9-3257033-G-C.
Other names: c.1772C>G, p.Pro591Arg (NM_001377999.1, NM_002919.4, NM_134428.3); short protein forms P591R.
Identifiers: ClinVar variation 2629286 (VCV002629286.9), dbSNP rs371245427, ClinGen allele CA188498662.